The following is an entry in ClinVar:

NM_001330360.2(POLA1):c.1931A>G (p.Asn644Ser)

Gene: POLA1 (DNA polymerase alpha 1, catalytic subunit; plus strand). Cytogenetic location: Xp22.11.
Variant type: single nucleotide variant.
Coding change: c.1931A>G on transcript NM_001330360.2 (MANE Select); coding-DNA position 1931, A replaced by G.
Protein change: p.Asn644Ser; replaces asparagine 644 with serine.
Molecular consequence: missense variant. On other transcripts: non-coding transcript variant (1).
Genome position (GRCh38, 1-based): chrX:24,737,632, A>G. VCF-style: chrX-24737632-A-G. GRCh37 (hg19) VCF-style: chrX-24755749-A-G.
Other names: c.1913A>G (NM_016937.3); c.1856A>G, p.Asn619Ser (NM_001378303.1); c.1913A>G, p.Asn638Ser (NM_016937.4); short protein forms N619S, N638S, N644S.
Identifiers: ClinVar variation 1696715 (VCV001696715.9), dbSNP rs1931360275, ClinGen allele CA412535067.
Genomic context (GRCh38, chrX:24,737,632, plus strand): 5'-CCTCTAATTTGCATTTGTTATAACATTATCAGCTGCCTTCTTTTTCTGACTAGGGTCATA[A>G]TATTTATGGGTTTGAACTGGAAGTACTACTGCAGAGAATTAATGTGTGCAAAGCTCCTCA-3'
Protein context (NP_001317289.1, residues 634-654): KIDPDIIVGH[Asn644Ser]IYGFELEVLL

ClinVar aggregate classification (germline): Uncertain significance. Review status: criteria provided, multiple submitters, no conflicts (2 of 4 stars). 4 submissions from 4 submitters: Uncertain significance (4). Last evaluated 2025-12-16.

Conditions:
Inborn genetic diseases. Identifiers: MedGen C0950123, MeSH D030342.
X-linked intellectual disability, van Esch type. Also called: Van Esch-O'Driscoll syndrome; MENTAL RETARDATION, X-LINKED, SYNDROMIC, VAN ESCH-O''DRISCOLL TYPE. Identifiers: Orphanet 163976, MedGen C4305072, MONDO:0015601, OMIM 301030.

Allele frequency attached by ClinVar (database versions not stated): TOPMed 0.00003; gnomAD exomes below 0.00001; gnomAD 0.00002.
gnomAD v4.1: 4 of 1,071,800 alleles (0.00037%); highest among the groups gnomAD compares: Admixed American, 0.0045%; no homozygotes.

Submissions (4):

Labcorp Genetics (formerly Invitae), Labcorp
Classification: Uncertain significance. Last evaluated: 2025-12-16. Review status: criteria provided, single submitter. Criteria: Invitae Variant Classification Sherloc (09022015). Collection method: clinical testing. Allele origin: germline.
Comment: This sequence change replaces asparagine, which is neutral and polar, with serine, which is neutral and polar, at codon 638 of the POLA1 protein (p.Asn638Ser). This variant is not present in population databases (gnomAD no frequency). This variant has not been reported in the literature in individuals affected with POLA1-related conditions. ClinVar contains an entry for this variant (Variation ID: 1696715). Invitae Evidence Modeling of protein sequence and biophysical properties (such as structural, functional, and spatial information, amino acid conservation, physicochemical variation, residue mobility, and thermodynamic stability) has been performed for this missense variant. However, the output from this modeling did not meet the statistical confidence thresholds required to predict the impact of this variant on POLA1 protein function. In summary, the available evidence is currently insufficient to determine the role of this variant in disease. Therefore, it has been classified as a Variant of Uncertain Significance.

Ambry Genetics
Classification: Uncertain significance for Inborn genetic diseases. Last evaluated: 2025-08-22. Review status: criteria provided, single submitter. Criteria: Ambry Variant Classification Scheme 2023. Collection method: clinical testing. Allele origin: germline.

Dasa
Classification: Uncertain significance. Last evaluated: 2025-02-08. Review status: criteria provided, single submitter. Criteria: DASA Assertion Criteria. Collection method: clinical testing. Allele origin: germline.
Comment: NM_001330360.2(POLA1):c.1931A>G (p.Asn644Ser) is a missense variant that results in the substitution of asparagine with serine. This variant is rare in population databases. Computational prediction algorithms are consistent with a benign effect. The currently available literature and clinical evidence are not sufficient to establish a definitive association between this variant and the reported condition. Therefore, this variant is classified as a variant of uncertain significance.

New York Genome Center
Classification: Uncertain significance for X-linked intellectual disability, van Esch type. Last evaluated: 2021-09-03. Review status: criteria provided, single submitter. Criteria: NYGC Assertion Criteria 2020. Collection method: clinical testing. Allele origin: inherited. Observed: 1 hemizygote. Study: CSER-NYCKidSeq.
Comment: The maternally inherited hemizygous c.1931A>G (p. Asn644Ser) variant in the POLA1 gene has not been reported in affected individuals in the literature. This variant has 0.00002676 allele frequency in the gnomAD(v3) database (3 out of 112106 heterozygous alleles, no homozygous or hemizygous alleles), suggesting it is not a common benign variant in the populations represented in that database. The affected residue is moderately conserved. In silico tools provide conflicting predictions about potential pathogenicity of this variant (CADD score = 24.2, REVEL score = 0.337). Due to the lack of compelling evidence for its pathogenicity, the inherited hemizygous c.1931A>G (p. Asn644Ser) missense variant identified in the POLA1 gene is reported as a Variant of UncertainSignificance.